The following is an entry in ClinVar:

NM_024675.4(PALB2):c.880A>T (p.Lys294Ter)

Gene: PALB2 (partner and localizer of BRCA2; minus strand). Cytogenetic location: 16p12.2.
Variant type: single nucleotide variant.
Coding change: c.880A>T on transcript NM_024675.4 (MANE Select); coding-DNA position 880, A replaced by T.
Protein change: p.Lys294Ter; replaces lysine 294 with a stop codon.
Molecular consequence: nonsense.
Genome position (GRCh38, 1-based): chr16:23,635,666, T>A on the plus strand (A>T on the coding strand, the complement: PALB2 is on the minus strand). VCF-style: chr16-23635666-T-A. GRCh37 (hg19) VCF-style: chr16-23646987-T-A.
Other names: short protein forms K294*.
Identifiers: ClinVar variation 1075018 (VCV001075018.11), dbSNP rs753676934, ClinGen allele CA395135745.

ClinVar aggregate classification (germline): Pathogenic. Review status: criteria provided, multiple submitters, no conflicts (2 of 4 stars). 3 submissions from 3 submitters: Pathogenic (3). Last evaluated 2023-09-27.

Conditions:
Hereditary cancer-predisposing syndrome. Also called: Tumor predisposition; Hereditary neoplastic syndrome; Neoplastic Syndromes, Hereditary; Hereditary Cancer Syndrome. Identifiers: Orphanet 140162, MedGen C0027672, MeSH D009386, MONDO:0015356.
Familial cancer of breast. Also called: hereditary breast carcinoma; Hereditary breast cancer; BREAST CANCER, FAMILIAL. Identifiers: Orphanet 227535, MedGen C0346153, MONDO:0016419, OMIM 114480. Disease mechanism: loss of function.

Submissions (3):

Myriad Genetics, Inc.
Classification: Pathogenic for Familial cancer of breast. Last evaluated: 2023-09-27. Review status: criteria provided, single submitter. Criteria: Myriad Autosomal Dominant, Autosomal Recessive and X-Linked Classification Criteria (2023). Collection method: clinical testing. Allele origin: unknown.
Comment: This variant is considered pathogenic. This variant creates a termination codon and is predicted to result in premature protein truncation.

Ambry Genetics
Classification: Pathogenic for Hereditary cancer-predisposing syndrome. Last evaluated: 2022-01-18. Review status: criteria provided, single submitter. Criteria: Ambry Variant Classification Scheme 2023. Collection method: clinical testing. Allele origin: germline.
Comment: The p.K294* pathogenic mutation (also known as c.880A>T), located in coding exon 4 of the PALB2 gene, results from an A to T substitution at nucleotide position 880. This changes the amino acid from a lysine to a stop codon within coding exon 4. This variant is considered to be rare based on population cohorts in the Genome Aggregation Database (gnomAD). This alteration is expected to result in loss of function by premature protein truncation or nonsense-mediated mRNA decay. As such, this alteration is interpreted as a disease-causing mutation.

Labcorp Genetics (formerly Invitae), Labcorp
Classification: Pathogenic for Familial cancer of breast. Last evaluated: 2021-07-27. Review status: criteria provided, single submitter. Criteria: Invitae Variant Classification Sherloc (09022015). Collection method: clinical testing. Allele origin: germline.
Comment: This sequence change creates a premature translational stop signal (p.Lys294*) in the PALB2 gene. It is expected to result in an absent or disrupted protein product. Loss-of-function variants in PALB2 are known to be pathogenic (PMID: 17200668, 24136930, 25099575). This variant is not present in population databases (ExAC no frequency). This variant has not been reported in the literature in individuals with PALB2-related conditions. For these reasons, this variant has been classified as Pathogenic.

Literature cited by the submitters: PubMed 17200668 (cited by Labcorp Genetics (formerly Invitae), Labcorp); PubMed 24136930 (cited by Labcorp Genetics (formerly Invitae), Labcorp); PubMed 25099575 (cited by Labcorp Genetics (formerly Invitae), Labcorp).